The following is an entry in ClinVar:

ClinVar aggregate classification (germline): Uncertain significance (1 of 4 stars; one submission).

Conditions:
Hereditary sensory and autonomic neuropathy type 6. Also called: HSAN VI; Neuropathy, hereditary sensory and autonomic, type VI. Identifiers: Orphanet 314381, MedGen C3539003, MONDO:0013839, OMIM 614653.
Epidermolysis bullosa simplex 3, localized or generalized intermediate, with BP230 deficiency (EBS3). Also called: Epidermolysis bullosa simplex due to BP230 deficiency; Epidermolysis bullosa simplex, autosomal recessive 2. Identifiers: Orphanet 412181, MedGen C3809470, MONDO:0014180, OMIM 615425.

Submission:

Labcorp Genetics (formerly Invitae), Labcorp
Classification: Uncertain significance for Epidermolysis bullosa simplex 3, localized or generalized intermediate, with BP230 deficiency; Hereditary sensory and autonomic neuropathy type 6. Last evaluated: 2021-07-24. Review status: criteria provided, single submitter. Criteria: Invitae Variant Classification Sherloc (09022015). Collection method: clinical testing. Allele origin: germline.
Comment: This variant has not been reported in the literature in individuals affected with DST-related conditions. This sequence change replaces threonine with isoleucine at codon 2522 of the DST protein (p.Thr2522Ile). The DST gene has multiple clinically relevant transcripts. This variant occurs in alternate transcript NM_015548.4, and corresponds to NM_001723.5:c.*62159C>T in the primary transcript. This variant is not present in population databases (ExAC no frequency). Experimental studies and prediction algorithms are not available or were not evaluated, and the functional significance of this variant is currently unknown. In summary, the available evidence is currently insufficient to determine the role of this variant in disease. Therefore, it has been classified as a Variant of Uncertain Significance.

NM_001374736.1(DST):c.15434C>T (p.Thr5145Ile)

Gene: DST (dystonin; minus strand). Cytogenetic location: 6p12.1.
Variant type: single nucleotide variant.
Coding change: c.15434C>T on transcript NM_001374736.1 (MANE Select); coding-DNA position 15434, C replaced by T.
Protein change: p.Thr5145Ile; replaces threonine 5145 with isoleucine.
Molecular consequence: missense variant.
Genome position (GRCh38, 1-based): chr6:56,553,358, G>A on the plus strand (C>T on the coding strand, the complement: DST is on the minus strand). VCF-style: chr6-56553358-G-A. GRCh37 (hg19) VCF-style: chr6-56418156-G-A.
Other names: c.9077C>T, p.Thr3026Ile (NM_001144769.5); c.8663C>T, p.Thr2888Ile (NM_001144770.2); c.15434C>T, p.Thr5145Ile (NM_001374722.1); c.14801C>T, p.Thr4934Ile (NM_001374729.1); c.8543C>T, p.Thr2848Ile (NM_001374730.1, NM_001386100.1, NM_183380.4); c.15461C>T, p.Thr5154Ile (NM_001374734.1); c.7565C>T, p.Thr2522Ile (NM_015548.5); short protein forms T3026I, T5154I, T2522I, T4934I, T2848I, T2888I, T5145I.
Identifiers: ClinVar variation 1961561 (VCV001961561.5), dbSNP rs1332429922, ClinGen allele CA364517015.